The following is an entry in ClinVar:

NM_001170629.2(CHD8):c.5524A>G (p.Ser1842Gly)

Gene: CHD8 (chromodomain helicase DNA binding protein 8; minus strand). Cytogenetic location: 14q11.2.
Variant type: single nucleotide variant.
Coding change: c.5524A>G on transcript NM_001170629.2 (MANE Select); coding-DNA position 5524, A replaced by G.
Protein change: p.Ser1842Gly; replaces serine 1842 with glycine.
Molecular consequence: missense variant.
Genome position (GRCh38, 1-based): chr14:21,394,352, T>C on the plus strand (A>G on the coding strand, the complement: CHD8 is on the minus strand). VCF-style: chr14-21394352-T-C. GRCh37 (hg19) VCF-style: chr14-21862511-T-C.
Other names: c.4687A>G, p.Ser1563Gly (NM_020920.4); c.5524A>G (NM_001170629.1); short protein forms S1563G, S1842G.
Identifiers: ClinVar variation 1942777 (VCV001942777.6), dbSNP rs1000377731, ClinGen allele CA257594022.

ClinVar aggregate classification (germline): Uncertain significance. Review status: criteria provided, multiple submitters, no conflicts (2 of 4 stars). 2 submissions from 2 submitters: Uncertain significance (2). Last evaluated 2025-06-23.

Conditions:
Inborn genetic diseases. Identifiers: MedGen C0950123, MeSH D030342.

Allele frequency attached by ClinVar (database versions not stated): gnomAD exomes below 0.00001; gnomAD 0.00001.

Submissions (2):

Ambry Genetics
Classification: Uncertain significance for Inborn genetic diseases. Last evaluated: 2025-06-23. Review status: criteria provided, single submitter. Criteria: Ambry Variant Classification Scheme 2023. Collection method: clinical testing. Allele origin: germline.

Labcorp Genetics (formerly Invitae), Labcorp
Classification: Uncertain significance. Last evaluated: 2025-03-10. Review status: criteria provided, single submitter. Criteria: Invitae Variant Classification Sherloc (09022015). Collection method: clinical testing. Allele origin: germline.
Comment: This sequence change replaces serine, which is neutral and polar, with glycine, which is neutral and non-polar, at codon 1842 of the CHD8 protein (p.Ser1842Gly). This variant is not present in population databases (gnomAD no frequency). This variant has not been reported in the literature in individuals affected with CHD8-related conditions. ClinVar contains an entry for this variant (Variation ID: 1942777). Invitae Evidence Modeling of protein sequence and biophysical properties (such as structural, functional, and spatial information, amino acid conservation, physicochemical variation, residue mobility, and thermodynamic stability) indicates that this missense variant is not expected to disrupt CHD8 protein function with a negative predictive value of 95%. In summary, the available evidence is currently insufficient to determine the role of this variant in disease. Therefore, it has been classified as a Variant of Uncertain Significance.